The following is an entry in ClinVar:

ClinVar aggregate classification (germline): Uncertain significance (1 of 4 stars; one submission).

Conditions:
Atypical hemolytic-uremic syndrome. Identifiers: Orphanet 2134, MedGen C2931788, MONDO:0016244.

Submission:

Genomenon, Inc
Classification: Uncertain significance for Atypical hemolytic-uremic syndrome. Last evaluated: 2025-10-02. Review status: criteria provided, single submitter. Criteria: Genomenon Sequence Variant Interpretation Standards - Updated. Collection method: curation. Allele origin: germline. Affected: yes.
Comment: CFH p.Glu142Gln (c.424G>C) is a missense variant that changes the amino acid at residue 142 from Glutamic acid to Glutamine. This variant has been observed in at least one proband affected with atypical hemolytic-uremic syndrome (PMID:25862562). It is absent or not present at a significant frequency in gnomAD. In conclusion, we classify CFH p.Glu142Gln (c.424G>C) as a variant of uncertain significance.

Literature cited by the submitters: PubMed 25862562.

NM_000186.4(CFH):c.424G>C (p.Glu142Gln)

Gene: CFH (complement factor H; plus strand). Cytogenetic location: 1q31.3.
Variant type: single nucleotide variant.
Coding change: c.424G>C on transcript NM_000186.4 (MANE Select); coding-DNA position 424, G replaced by C.
Protein change: p.Glu142Gln; replaces glutamic acid 142 with glutamine.
Molecular consequence: missense variant.
Genome position (GRCh38, 1-based): chr1:196,676,062, G>C. VCF-style: chr1-196676062-G-C. GRCh37 (hg19) VCF-style: chr1-196645192-G-C.
Other names: c.424G>C, p.Glu142Gln (NM_001014975.3); short protein forms E142Q.
Identifiers: ClinVar variation 4291692 (VCV004291692.1).
Genomic context (GRCh38, chr1:196,676,062, plus strand): 5'-GGTGAGATTAATTACCGTGAATGTGACACAGATGGATGGACCAATGATATTCCTATATGT[G>C]AAGGTAGACATAAAATGTATTTACAAGTATATTGAAATAAATATCTAAGATTTAAAAAAA-3'
Protein context (NP_000177.2, residues 132-152): DGWTNDIPIC[Glu142Gln]VVKCLPVTAP